The following is an entry in ClinVar:

NM_000821.7(GGCX):c.26G>A (p.Arg9Gln)

Gene: GGCX (gamma-glutamyl carboxylase; minus strand). Cytogenetic location: 2p11.2.
Variant type: single nucleotide variant.
Coding change: c.26G>A on transcript NM_000821.7 (MANE Select); coding-DNA position 26, G replaced by A.
Protein change: p.Arg9Gln; replaces arginine 9 with glutamine.
Molecular consequence: missense variant.
Genome position (GRCh38, 1-based): chr2:85,561,403, C>T on the plus strand (G>A on the coding strand, the complement: GGCX is on the minus strand). VCF-style: chr2-85561403-C-T. GRCh37 (hg19) VCF-style: chr2-85788526-C-T.
Other names: c.26G>A, p.Arg9Gln (NM_001142269.4, NM_001311312.3); short protein forms R9Q.
Identifiers: ClinVar variation 896546 (VCV000896546.5), dbSNP rs745564526, ClinGen allele CA1742254.

ClinVar aggregate classification (germline): Uncertain significance. Review status: criteria provided, multiple submitters, no conflicts (2 of 4 stars). 2 submissions from 2 submitters: Uncertain significance (2). Last evaluated 2022-07-23.

Conditions:
Vitamin K-dependent clotting factors, combined deficiency of, type 1. Also called: FACTORS II, VII, IX, AND X, COMBINED DEFICIENCY OF; FAMILIAL MULTIPLE COAGULATION FACTOR DEFICIENCY III; FMFD III; GLUTAMIC ACID, DEFICIENT GAMMA-CARBOXYLATION OF; MULTIPLE COAGULATION FACTOR DEFICIENCY III; VITAMIN K-DEPENDENT COAGULATION DEFECT. Identifiers: Orphanet 98434, MedGen C1848534, MONDO:0010187, OMIM 277450.

Allele frequency attached by ClinVar (database versions not stated): gnomAD exomes 0.00004 and 0.00005; ExAC 0.00008; gnomAD 0.00008 and 0.00009; TOPMed 0.00020.
gnomAD v4.1: 81 of 1,572,162 alleles (0.0052%); highest among the groups gnomAD compares: Admixed American, 0.03%; no homozygotes.

Submissions (2):

Labcorp Genetics (formerly Invitae), Labcorp
Classification: Uncertain significance. Last evaluated: 2022-07-23. Review status: criteria provided, single submitter. Criteria: Invitae Variant Classification Sherloc (09022015). Collection method: clinical testing. Allele origin: germline.
Comment: This sequence change replaces arginine, which is basic and polar, with glutamine, which is neutral and polar, at codon 9 of the GGCX protein (p.Arg9Gln). This variant is present in population databases (rs745564526, gnomAD 0.01%). This variant has not been reported in the literature in individuals affected with GGCX-related conditions. ClinVar contains an entry for this variant (Variation ID: 896546). Algorithms developed to predict the effect of missense changes on protein structure and function (SIFT, PolyPhen-2, Align-GVGD) all suggest that this variant is likely to be tolerated. In summary, the available evidence is currently insufficient to determine the role of this variant in disease. Therefore, it has been classified as a Variant of Uncertain Significance.

Illumina Laboratory Services, Illumina
Classification: Uncertain significance for Vitamin K-dependent clotting factors, combined deficiency of, type 1. Last evaluated: 2017-04-28. Review status: criteria provided, single submitter. Criteria: ICSL Variant Classification Criteria 13 December 2019. Collection method: clinical testing. Allele origin: germline.